The following is an entry in ClinVar:

NM_000123.4(ERCC5):c.2383G>A (p.Ala795Thr)

Genes: BIVM-ERCC5 (BIVM-ERCC5 readthrough; plus strand), ERCC5 (ERCC excision repair 5, endonuclease; plus strand), LOC126861834 (BRD4-independent group 4 enhancer GRCh37_chr13:103518038-103519237; plus strand). Cytogenetic location: 13q33.1.
Variant type: single nucleotide variant.
Coding change: c.2383G>A on transcript NM_000123.4 (MANE Select); coding-DNA position 2383, G replaced by A.
Protein change: p.Ala795Thr; replaces alanine 795 with threonine.
Molecular consequence: missense variant.
Genome position (GRCh38, 1-based): chr13:102,866,695, G>A. VCF-style: chr13-102866695-G-A. GRCh37 (hg19) VCF-style: chr13-103519045-G-A.
Other names: c.3745G>A, p.Ala1249Thr (NM_001204425.2); short protein forms A1249T, A795T.
Identifiers: ClinVar variation 883461 (VCV000883461.12), dbSNP rs751772171, ClinGen allele CA7041627.
Genomic context (GRCh38, chr13:102,866,695, plus strand): 5'-CTCCTGCGCCTGTTCGGCATTCCCTACATCCAGGCTCCCATGGAAGCAGAGGCGCAGTGC[G>A]CCATCCTGGACCTGACTGATCAGACTTCCGGAACCATCACTGATGACAGTGATATCTGGC-3'
Protein context (NP_000114.3, residues 785-805): QAPMEAEAQC[Ala795Thr]ILDLTDQTSG

ClinVar aggregate classification (germline): Uncertain significance. Review status: criteria provided, multiple submitters, no conflicts (2 of 4 stars). 3 submissions from 3 submitters: Uncertain significance (3). Last evaluated 2025-02-27.

Conditions:
Xeroderma pigmentosum, group G (XPG). Also called: XERODERMA PIGMENTOSUM VII; XP, GROUP G; Xeroderma pigmentosum type 7; ERCC5-Related Xeroderma Pigmentosum. Identifiers: MedGen C0268141, MONDO:0010216, OMIM 278780.

Allele frequency attached by ClinVar (database versions not stated): gnomAD 0.00001 and 0.00002; ExAC 0.00002; TOPMed 0.00002; gnomAD exomes 0.00003 and 0.00005.
gnomAD v4.1: 72 of 1,614,086 alleles (0.0045%); highest among the groups gnomAD compares: Non-Finnish European, 0.0059%; no homozygotes.

Submissions (3):

GeneDx
Classification: Uncertain significance. Last evaluated: 2025-02-27. Review status: criteria provided, single submitter. Criteria: GeneDx Variant Classification Process June 2021. Collection method: clinical testing. Allele origin: germline. Affected: yes.
Comment: Reported the heterozygous state in two related individuals diagnosed with renal cell carcinoma; however, those individuals also harbored a pathogenic variant in the BAP1 gene (PMID: 23684012); Observed in one individual with xeroderma pigmentosum group G who was heterozygous for both the A795T variant and a frameshift variant in the ERCC5 gene (PMID: 26884178); In silico analysis supports that this missense variant has a deleterious effect on protein structure/function; Not observed at significant frequency in large population cohorts (gnomAD); This variant is associated with the following publications: (PMID: 26884178, 35230528, 32821917, 23684012, 34670123)

Women's Health and Genetics/Laboratory Corporation of America, LabCorp
Classification: Uncertain significance. Last evaluated: 2022-11-06. Review status: criteria provided, single submitter. Criteria: LabCorp Variant Classification Summary - May 2015. Collection method: clinical testing. Allele origin: germline.
Comment: Variant summary: ERCC5 c.2383G>A (p.Ala795Thr) results in a non-conservative amino acid change located in the XPG-I domain (IPR006086) of the encoded protein sequence. Five of five in-silico tools predict a damaging effect of the variant on protein function. The variant allele was found at a frequency of 2.8e-05 in 251334 control chromosomes (gnomAD). The available data on variant occurrences in the general population are insufficient to allow any conclusion about variant significance. c.2383G>A has been reported in the literature in at least one individual affected with Xeroderma Pigmentosum (Fassihi_2016). These data do not allow any conclusion about variant significance. To our knowledge, no experimental evidence demonstrating an impact on protein function has been reported. Three ClinVar submitters have assessed the variant since 2014: all three classified the variant as uncertain significance. Based on the evidence outlined above, the variant was classified as uncertain significance.

Illumina Laboratory Services, Illumina
Classification: Uncertain significance for Xeroderma pigmentosum, group G. Last evaluated: 2017-04-28. Review status: criteria provided, single submitter. Criteria: ICSL Variant Classification Criteria 13 December 2019. Collection method: clinical testing. Allele origin: germline.

Literature cited by the submitters: PubMed 26884178 (cited by Women's Health and Genetics/Laboratory Corporation of America, LabCorp).